The following is an entry in ClinVar:

ClinVar aggregate classification (germline): Likely pathogenic (1 of 4 stars; one submission).

Conditions:
Lowe syndrome (OCRL). Also called: LOWE OCULOCEREBRORENAL SYNDROME; PHOSPHATIDYLINOSITOL 4,5-BISPHOSPHATE 5-PHOSPHATASE DEFICIENCY; Oculocerebrorenal Syndrome. Identifiers: Orphanet 534, MedGen C0028860, MONDO:0010645, OMIM 309000.

Submission:

Illumina Laboratory Services, Illumina
Classification: Likely pathogenic for Lowe syndrome. Last evaluated: 2019-12-06. Review status: criteria provided, single submitter. Criteria: ICSLVariantClassificationCriteria RUGD 01 April 2020. Collection method: clinical testing. Allele origin: unknown.
Comment: The OCRL c.1060-2_1060-1delAG variant results in a substitution at the consensus splice acceptor site, which is predicted to result in splicing defects that may lead to a truncated protein. A literature search was performed for the gene and cDNA change. No publications were found based on this search. This variant is not observed in version 2.1.1 of the Genome Aggregation Database. Based on the available evidence, the c.1060-2_1060-1delAG variant is classified as likely pathogenic for Lowe syndrome.

NM_000276.4(OCRL):c.1057-2_1057-1del

Gene: OCRL (OCRL inositol polyphosphate-5-phosphatase; plus strand). Cytogenetic location: Xq26.1.
Variant type: Deletion.
Coding change: c.1057-2_1057-1del on transcript NM_000276.4 (MANE Select); the canonical splice acceptor site of the intron before coding-DNA position 1057, 2 bases deleted (AG; older notation c.1057-2_1057-1delAG).
Molecular consequence: splice acceptor variant.
Genome position (GRCh38, 1-based): chrX:129,562,597-129,562,598, AG deleted. VCF-style (leftmost placement, unchanged base first): chrX-129562596-CAG-C. GRCh37 (hg19) VCF-style: chrX-128696573-CAG-C.
Other names: c.1060-2_1060-1del (NM_001318784.2); c.1057-2_1057-1del (NM_001587.4).
Identifiers: ClinVar variation 3062108 (VCV003062108.1), dbSNP rs2521889771, ClinGen allele CA2740092273.